The following is an entry in ClinVar:

ClinVar aggregate classification (germline): Pathogenic (1 of 4 stars; one submission).

Conditions:
Primary ciliary dyskinesia. Also called: Ciliary dyskinesia. Identifiers: Orphanet 244, MedGen C0008780, MONDO:0016575, HP:0012265.

Submission:

Labcorp Genetics (formerly Invitae), Labcorp
Classification: Pathogenic for Primary ciliary dyskinesia. Last evaluated: 2023-01-16. Review status: criteria provided, single submitter. Criteria: Invitae Variant Classification Sherloc (09022015). Collection method: clinical testing. Allele origin: germline.
Comment: This sequence change creates a premature translational stop signal (p.Leu1460*) in the DNAH5 gene. It is expected to result in an absent or disrupted protein product. Loss-of-function variants in DNAH5 are known to be pathogenic (PMID: 11788826, 16627867). This variant is not present in population databases (gnomAD no frequency). This variant has not been reported in the literature in individuals affected with DNAH5-related conditions. For these reasons, this variant has been classified as Pathogenic.

Literature cited by the submitters: PubMed 11788826; PubMed 16627867.

NM_001369.3(DNAH5):c.4377del (p.Ala1459_Leu1460insTer)

Genes: DNAH5 (dynein axonemal heavy chain 5; minus strand), DNAH5-AS1 (DNAH5 antisense RNA 1; plus strand). Cytogenetic location: 5p15.2.
Variant type: Deletion.
Coding change: c.4377del on transcript NM_001369.3 (MANE Select); coding-DNA position 4377, one base deleted (C; older notation c.4377delC).
Protein change: p.Ala1459_Leu1460insTer.
Molecular consequence: frameshift variant.
Genome position (GRCh38, 1-based): chr5:13,864,616, G deleted on the plus strand (C on the coding strand, the reverse complement: DNAH5 is on the minus strand); the first of 2 consecutive G bases (chr5:13,864,616-13,864,617); deleting either gives the same sequence. VCF-style (leftmost placement, unchanged base first): chr5-13864615-AG-A. GRCh37 (hg19) VCF-style: chr5-13864724-AG-A.
Identifiers: ClinVar variation 2829156 (VCV002829156.3), dbSNP rs2546979181, ClinGen allele CA2739274627.
Genomic context (GRCh38, chr5:13,864,615, plus strand): 5'-AACACTCGCTGAAATCATCAATGATCTTCTTCAGGTCCAAAAAAGCCTGCCAGTCCTTCA[AG>A]GCCCGGGGAAGCTTTCGACATCTGTGAAGGGACACCAACATGAAAGGCCATTGAAATATG-3'